The following is an entry in ClinVar:

ClinVar aggregate classification (germline): Uncertain significance (1 of 4 stars; one submission).

Conditions:
Mitochondrial complex II deficiency, nuclear type 1. Also called: SUCCINATE CoQ REDUCTASE DEFICIENCY. Identifiers: Orphanet 3208, MedGen C5700310, MONDO:0100294, OMIM 252011.
Pheochromocytoma/paraganglioma syndrome 5. Also called: Paragangliomas 5; SDHA-Related Hereditary Paraganglioma-Pheochromocytoma Syndrome. Identifiers: Orphanet 29072, MedGen C3279992, MONDO:0013602, OMIM 614165.

Submission:

Labcorp Genetics (formerly Invitae), Labcorp
Classification: Uncertain significance for Pheochromocytoma/paraganglioma syndrome 5; Mitochondrial complex II deficiency, nuclear type 1. Last evaluated: 2024-08-13. Review status: criteria provided, single submitter. Criteria: Invitae Variant Classification Sherloc (09022015). Collection method: clinical testing. Allele origin: germline.
Comment: This sequence change replaces histidine, which is basic and polar, with leucine, which is neutral and non-polar, at codon 245 of the SDHA protein (p.His245Leu). This variant is not present in population databases (gnomAD no frequency). This variant has not been reported in the literature in individuals affected with SDHA-related conditions. ClinVar contains an entry for this variant (Variation ID: 849964). Advanced modeling of protein sequence and biophysical properties (such as structural, functional, and spatial information, amino acid conservation, physicochemical variation, residue mobility, and thermodynamic stability) has been performed at Invitae for this missense variant, however the output from this modeling did not meet the statistical confidence thresholds required to predict the impact of this variant on SDHA protein function. In summary, the available evidence is currently insufficient to determine the role of this variant in disease. Therefore, it has been classified as a Variant of Uncertain Significance.

NM_004168.4(SDHA):c.734A>T (p.His245Leu)

Gene: SDHA (succinate dehydrogenase complex flavoprotein subunit A; plus strand). Cytogenetic location: 5p15.33.
Variant type: single nucleotide variant.
Coding change: c.734A>T on transcript NM_004168.4 (MANE Select); coding-DNA position 734, A replaced by T.
Protein change: p.His245Leu; replaces histidine 245 with leucine.
Molecular consequence: missense variant.
Genome position (GRCh38, 1-based): chr5:228,297, A>T. VCF-style: chr5-228297-A-T. GRCh37 (hg19) VCF-style: chr5-228412-A-T.
Other names: c.590A>T, p.His197Leu (NM_001294332.2); c.734A>T, p.His245Leu (NM_001330758.2); short protein forms H245L, H197L.
Identifiers: ClinVar variation 849964 (VCV000849964.10), dbSNP rs1579391515, ClinGen allele CA359011117.
Genomic context (GRCh38, chr5:228,297, plus strand): 5'-TGATGGAGAATGGGGAGTGCCGTGGTGTCATCGCACTGTGCATAGAGGACGGGTCCATCC[A>T]TCGCATAAGAGCAAAGAACACTGTTGTTGCCACAGGGTAGGAATCTCATTTCTACTTTAT-3'
Protein context (NP_004159.2, residues 235-255): IALCIEDGSI[His245Leu]RIRAKNTVVA